The following is an entry in ClinVar:

NM_001267550.2(TTN):c.43446del (p.Asp14483fs)

Gene: TTN (titin; minus strand). Cytogenetic location: 2q31.2.
Variant type: Deletion.
Coding change: c.43446del on transcript NM_001267550.2 (MANE Select); coding-DNA position 43446, one base deleted (A; older notation c.43446delA).
Protein change: p.Asp14483fs; shifts the reading frame from aspartic acid 14483.
Molecular consequence: frameshift variant.
Genome position (GRCh38, 1-based): chr2:178,632,560, T deleted on the plus strand (A on the coding strand, the reverse complement: TTN is on the minus strand); the first of 2 consecutive T bases (chr2:178,632,560-178,632,561); deleting either gives the same sequence. VCF-style (leftmost placement, unchanged base first): chr2-178632559-CT-C. GRCh37 (hg19) VCF-style: chr2-179497286-CT-C.
Other names: c.38523del, p.Asp12842fs (NM_001256850.1); c.16251del, p.Asp5418fs (NM_003319.4); c.35742del, p.Asp11915fs (NM_133378.4); c.16626del, p.Asp5543fs (NM_133432.3); c.16827del, p.Asp5610fs (NM_133437.4); short protein forms D14483fs, D5543fs, D5610fs, D12842fs, D5418fs, D11915fs.
Identifiers: ClinVar variation 1486295 (VCV001486295.8), dbSNP rs2154221841, ClinGen allele CA2573133813.

ClinVar aggregate classification (germline): Likely pathogenic (1 of 4 stars; one submission).

Conditions:
Dilated cardiomyopathy 1G (CMD1G). Identifiers: Orphanet 154, MedGen C1858763, MONDO:0011400, OMIM 604145.
Autosomal recessive limb-girdle muscular dystrophy type 2J (LGMDR10). Also called: Limb-girdle muscular dystrophy, type 2J; MUSCULAR DYSTROPHY, LIMB-GIRDLE, AUTOSOMAL RECESSIVE 10. Identifiers: Orphanet 140922, MedGen C1837342, MONDO:0012127, OMIM 608807.

Submission:

Labcorp Genetics (formerly Invitae), Labcorp
Classification: Likely pathogenic for Dilated cardiomyopathy 1G; Autosomal recessive limb-girdle muscular dystrophy type 2J. Last evaluated: 2024-10-18. Review status: criteria provided, single submitter. Criteria: Invitae Variant Classification Sherloc (09022015). Collection method: clinical testing. Allele origin: germline.
Comment: This sequence change creates a premature translational stop signal (p.Asp14483Ilefs*8) in the TTN gene. While this is not anticipated to result in nonsense mediated decay, it is expected to create a truncated TTN protein. This variant is not present in population databases (gnomAD no frequency). This variant has not been observed in the literature in individuals with autosomal recessive TTN-related conditions. This variant has been reported in individual(s) with autosomal dominant dilated cardiomyopathy (internal data); however, the role of the variant in this condition is currently unclear. ClinVar contains an entry for this variant (Variation ID: 1486295). This variant is located in the I band of TTN (PMID: 25589632). Truncating variants in this region have been reported in individuals affected with autosomal recessive centronuclear myopathy (PMID: 23975875, internal data). Truncating variants in this region have also been identified in individuals affected with autosomal dominant dilated cardiomyopathy and/or cardio-related conditions (PMID: 27869827, 32964742, internal data). In summary, the currently available evidence indicates that the variant is pathogenic, but additional data are needed to prove that conclusively. Therefore, this variant has been classified as Likely Pathogenic.

Literature cited by the submitters: PubMed 25589632; PubMed 23975875; PubMed 27869827; PubMed 32964742.